The following is an entry in ClinVar:

NM_018979.4(WNK1):c.2223+8C>A

Gene: WNK1 (WNK lysine deficient protein kinase 1; plus strand). Cytogenetic location: 12p13.33.
Variant type: single nucleotide variant.
Coding change: c.2223+8C>A on transcript NM_018979.4 (MANE Select); 8 bases into the intron after coding-DNA position 2223, C replaced by A.
Molecular consequence: intron variant.
Genome position (GRCh38, 1-based): chr12:871,356, C>A. VCF-style: chr12-871356-C-A. GRCh37 (hg19) VCF-style: chr12-980522-C-A.
Other names: c.3717+8C>A (NM_213655.5); c.3462+8C>A (NM_001184985.2); c.2223+8C>A (NM_014823.3).
Identifiers: ClinVar variation 3772538 (VCV003772538.13).

ClinVar aggregate classification (germline): Uncertain significance (1 of 4 stars; one submission).

Submission:

CeGaT Center for Human Genetics Tuebingen
Classification: Uncertain significance. Last evaluated: 2025-02-01. Review status: criteria provided, single submitter. Criteria: CeGaT Center For Human Genetics Tuebingen Variant Classification Criteria Version 2. Collection method: clinical testing. Allele origin: germline. Affected: yes. Observed: 1 variant allele.
Comment: WNK1: PM2, BP4